The following is an entry in ClinVar:

ClinVar aggregate classification (germline): Pathogenic. Review status: reviewed by expert panel (3 of 4 stars). 3 submissions from 3 submitters: Pathogenic (1). 2 of the submissions do not count toward it. Last evaluated 2023-12-09.

Conditions:
Hereditary thrombocytopenia and hematological cancer predisposition syndrome associated with RUNX1. Also called: PLATELET DISORDER, ASPIRIN-LIKE; RUNX1 Familial Platelet Disorder with Associated Myeloid Malignancies; Familial Platelet Disorder with Propensity to Acute Myelogenous Leukemia; Familial thrombocytopenia with propensity to acute myelogenous leukemia. Identifiers: Orphanet 71290, MedGen C1832388, MeSH C563324, MONDO:0100083, OMIM 601399.
Hereditary thrombocytopenia and hematologic cancer predisposition syndrome. Identifiers: Orphanet 71290, MedGen CN281654, MONDO:0011071.

Submissions (3):

ClinGen Myeloid Malignancy Variant Curation Expert Panel
Classification: Pathogenic for Hereditary thrombocytopenia and hematologic cancer predisposition syndrome. Last evaluated: 2023-12-09. Review status: reviewed by expert panel. Criteria: ClinGen MyeloMalig ACMG Specifications v2. Collection method: curation. Allele origin: germline. Inheritance: Autosomal dominant inheritance.
Comment: The NM_001754.5(RUNX1):c.566_584dup (p.Thr196ProfsTer23) is a frameshift variant predicted to undergo nonsense mediated decay in a gene in which loss-of-function is an established mechanism (Frameshift (+1); c.98-c.779 as per VCEP specifications) (PVS1). This variant affects the critical functional T196 amino acid residue within the RHD (PM1). This variant is completely absent from all population databases with at least 20x coverage for RUNX1 (PM2_Supporting). This frameshift variant is downstream of c.98 in transcript NM_001754.4 (PM5_Supporting). In summary, this variant meets the criteria to be classified as pathogenic. ACMG/AMP criteria applied, as specified by the Myeloid Malignancy Variant Curation Expert Panel for RUNX1: PVS1, PM1, PM2_supporting, PM5_supporting.

Victorian Clinical Genetics Services, Murdoch Childrens Research Institute
Classification: Pathogenic for Hereditary thrombocytopenia and hematological cancer predisposition syndrome associated with RUNX1. Last evaluated: 2025-04-22. Review status: criteria provided, single submitter. Criteria: ACMG Guidelines, 2015. Collection method: clinical testing. Allele origin: germline. Affected: yes. Not counted in ClinVar's aggregate classification.
Comment: This variant is classified as Pathogenic. Evidence in support of pathogenic classification: Variant is predicted to cause nonsense-mediated decay (NMD) and loss of protein (premature termination codon is located at least 54 nucleotides upstream of the final exon-exon junction); Variant is absent from gnomAD (v2, v3 and v4); This variant has very strong previous evidence of pathogenicity in unrelated individuals. This variant has been classified as pathogenic by ClinGen Myeloid Malignancy Variant Curation Expert Panel (ClinVar); Other NMD-predicted variants comparable to the one identified in this case have very strong previous evidence for pathogenicity. Many NMD-predicted variants in this gene have been classified as likely pathogenic/pathogenic (ClinVar). Additional information: This variant is heterozygous; This gene is associated with autosomal dominant disease; Dominant negative and loss of function are known mechanisms of disease in this gene, and are associated with acute myeloid leukaemia (MIM#601626), and familial platelet disorder with associated myeloid malignancy (MIM#601399) (PMID: 28179279); Inheritance information for this variant is not currently available in this individual.

ISTH-SSC Genomics in Thrombosis and Hemostasis, KU Leuven, Center for Molecular and Vascular Biology
Classification: Likely pathogenic for Hereditary thrombocytopenia and hematological cancer predisposition syndrome associated with RUNX1. Review status: no assertion criteria provided. Collection method: research. Allele origin: de novo. Affected: yes. Not counted in ClinVar's aggregate classification.
Comment: Submitted to GoldVariant by Dr Marie-Christine Morel-Kopp from Northern Blood Research Centre, Sydney, Australia

Literature cited by the submitters: PubMed 28179279 (cited by Victorian Clinical Genetics Services, Murdoch Childrens Research Institute).

NM_001754.5(RUNX1):c.566_584dup (p.Thr196fs)

Genes: RUNX1 (RUNX family transcription factor 1; minus strand), RUNX1-AS1 (RUNX1 antisense RNA 1; plus strand). Cytogenetic location: 21q22.12.
Variant type: Duplication.
Coding change: c.566_584dup on transcript NM_001754.5 (MANE Select); coding-DNA positions 566 to 584, 19 bases duplicated (ACCACAGAGCCATCAAAAT).
Protein change: p.Thr196fs; shifts the reading frame from threonine 196.
Molecular consequence: frameshift variant.
Genome position (GRCh38, 1-based): chr21:34,859,503-34,859,521, ATTTTGATGGCTCTGTGGT duplicated on the plus strand (ACCACAGAGCCATCAAAAT on the coding strand, the reverse complement: RUNX1 is on the minus strand); duplicating any 19 consecutive bases within chr21:34,859,503-34,859,522 gives the same sequence; the c. name uses the placement nearest the transcript's 3' end. VCF-style (leftmost placement, unchanged base first): chr21-34859502-G-GATTTTGATGGCTCTGTGGT. GRCh37 (hg19) VCF-style: chr21-36231799-G-GATTTTGATGGCTCTGTGGT.
Other names: NM_001754.5(RUNX1):c.566_584dup; p.Thr196fs; c.485_503dup, p.Thr169fs (NM_001001890.3, NM_001122607.2); short protein forms T169fs, T196fs.
Identifiers: ClinVar variation 1684431 (VCV001684431.4), dbSNP rs2146235138, ClinGen allele CA2573157348.